The following is an entry in ClinVar:

ClinVar aggregate classification (germline): Likely benign. Review status: criteria provided, multiple submitters, no conflicts (2 of 4 stars). 3 submissions from 3 submitters: Likely benign (3). Last evaluated 2023-03-23.

Conditions:
Wilson disease (WND). Also called: Wilson's disease. Identifiers: Orphanet 905, MedGen C0019202, MONDO:0010200, OMIM 277900. Disease mechanism: loss of function.

Allele frequency attached by ClinVar (database versions not stated): TOPMed below 0.00001.
gnomAD v4.1: 5 of 1,614,122 alleles (0.00031%); highest among the groups gnomAD compares: Non-Finnish European, 0.00042%; no homozygotes.

Submissions (3):

All of Us Research Program, National Institutes of Health
Classification: Likely benign for Wilson disease. Last evaluated: 2023-03-23. Review status: criteria provided, single submitter. Criteria: ACMG Guidelines, 2015. Collection method: clinical testing. Allele origin: germline. Inheritance: Autosomal recessive inheritance. Observed: 1 variant allele, 1 heterozygote.
Comment: This study involves interpretation of variants in research participants for the purpose of population health screening. Participant phenotype was not available at the time of variant classification. Additional details can be found in publication PMID: 35346344, PMCID: PMC8962531

Labcorp Genetics (formerly Invitae), Labcorp
Classification: Likely benign for Wilson disease. Last evaluated: 2022-05-18. Review status: criteria provided, single submitter. Criteria: Invitae Variant Classification Sherloc (09022015). Collection method: clinical testing. Allele origin: germline.

Color Diagnostics, LLC DBA Color Health
Classification: Likely benign for Wilson disease. Last evaluated: 2022-04-28. Review status: criteria provided, single submitter. Criteria: ACMG Guidelines, 2015. Collection method: clinical testing. Allele origin: germline.

NM_000053.4(ATP7B):c.3129C>T (p.Leu1043=)

Gene: ATP7B (ATPase copper transporting beta; minus strand). Cytogenetic location: 13q14.3.
Variant type: single nucleotide variant.
Coding change: c.3129C>T on transcript NM_000053.4 (MANE Select); coding-DNA position 3129, C replaced by T.
Protein change: p.Leu1043=; no amino-acid change (leucine 1043 retained).
Molecular consequence: synonymous variant.
Genome position (GRCh38, 1-based): chr13:51,944,223, G>A on the plus strand (C>T on the coding strand, the complement: ATP7B is on the minus strand). VCF-style: chr13-51944223-G-A. GRCh37 (hg19) VCF-style: chr13-52518359-G-A.
Other names: c.2508C>T, p.Leu836= (NM_001005918.3); c.2796C>T, p.Leu932= (NM_001243182.2); c.2895C>T, p.Leu965= (NM_001330578.2); c.2877C>T, p.Leu959= (NM_001330579.2).
Identifiers: ClinVar variation 1648273 (VCV001648273.9), dbSNP rs770672596, ClinGen allele CA6988799.
Genomic context (GRCh38, chr13:51,944,223, plus strand): 5'-CGCAGTCCCCACCACAGCCAGAACCTTCCTGAGGGGCAGTGTGGCCACATCCCCCAGCAG[G>A]AGCACCCGCATGACCCTGGGGACGCCATGGGTAATGGTGCCAGTCTTGTCAAACATCACA-3'
Protein context (NP_000044.2, residues 1033-1053): THGVPRVMRV[Leu1043=]LLGDVATLPL